The following is an entry in ClinVar:

ClinVar aggregate classification (germline): Uncertain significance (1 of 4 stars; one submission).

Allele frequency attached by ClinVar (database versions not stated): TOPMed below 0.00001; ExAC 0.00001; gnomAD exomes 0.00001 and 0.00007; gnomAD 0.00003.
gnomAD v4.1: 108 of 1,613,906 alleles (0.0067%); highest among the groups gnomAD compares: Non-Finnish European, 0.009%; no homozygotes.

Submission:

GeneDx
Classification: Uncertain significance. Last evaluated: 2019-12-03. Review status: criteria provided, single submitter. Criteria: GeneDx Variant Classification Process June 2021. Collection method: clinical testing. Allele origin: germline. Affected: yes.
Comment: Not observed at a significant frequency in large population cohorts (Lek et al., 2016); In silico analysis, which includes protein predictors and evolutionary conservation, supports a deleterious effect; Has not been previously published as pathogenic or benign to our knowledge

NM_001042545.2(LTBP4):c.2953G>A (p.Glu985Lys)

Gene: LTBP4 (latent transforming growth factor beta binding protein 4; plus strand). Cytogenetic location: 19q13.2.
Variant type: single nucleotide variant.
Coding change: c.2953G>A on transcript NM_001042545.2 (MANE Select); coding-DNA position 2953, G replaced by A.
Protein change: p.Glu985Lys; replaces glutamic acid 985 with lysine.
Molecular consequence: missense variant.
Genome position (GRCh38, 1-based): chr19:40,617,108, G>A. VCF-style: chr19-40617108-G-A. GRCh37 (hg19) VCF-style: chr19-41123014-G-A.
Other names: c.3154G>A, p.Glu1052Lys (NM_001042544.1); c.3043G>A, p.Glu1015Lys (NM_003573.2); short protein forms E1015K, E1052K, E985K.
Identifiers: ClinVar variation 1310723 (VCV001310723.2), dbSNP rs753314372, ClinGen allele CA9448856.